The following is an entry in ClinVar:

ClinVar aggregate classification (germline): Uncertain significance. Review status: criteria provided, multiple submitters, no conflicts (2 of 4 stars). 2 submissions from 2 submitters: Uncertain significance (2). Last evaluated 2023-07-20.

Conditions:
Hereditary cancer-predisposing syndrome. Also called: Hereditary Cancer Syndrome; Tumor predisposition; Hereditary neoplastic syndrome; Neoplastic Syndromes, Hereditary. Identifiers: Orphanet 140162, MedGen C0027672, MeSH D009386, MONDO:0015356.
Tuberous sclerosis 1 (TSC1). Identifiers: Orphanet 805, MedGen C1854465, MONDO:0008612, OMIM 191100.

Allele frequency attached by ClinVar (database versions not stated): gnomAD exomes below 0.00001.
gnomAD v4.1: 1 of 1,614,232 alleles (0.000062%); highest among the groups gnomAD compares: Non-Finnish European, 0.000085%; no homozygotes.

Submissions (2):

Labcorp Genetics (formerly Invitae), Labcorp
Classification: Uncertain significance for Tuberous sclerosis 1. Last evaluated: 2023-07-20. Review status: criteria provided, single submitter. Criteria: Invitae Variant Classification Sherloc (09022015). Collection method: clinical testing. Allele origin: germline.
Comment: This variant has not been reported in the literature in individuals affected with TSC1-related conditions. ClinVar contains an entry for this variant (Variation ID: 1051409). Advanced modeling of protein sequence and biophysical properties (such as structural, functional, and spatial information, amino acid conservation, physicochemical variation, residue mobility, and thermodynamic stability) performed at Invitae indicates that this missense variant is not expected to disrupt TSC1 protein function. In summary, the available evidence is currently insufficient to determine the role of this variant in disease. Therefore, it has been classified as a Variant of Uncertain Significance. This variant is not present in population databases (gnomAD no frequency). This sequence change replaces valine, which is neutral and non-polar, with leucine, which is neutral and non-polar, at codon 96 of the TSC1 protein (p.Val96Leu).

Ambry Genetics
Classification: Uncertain significance for Hereditary cancer-predisposing syndrome. Last evaluated: 2021-03-12. Review status: criteria provided, single submitter. Criteria: Ambry Variant Classification Scheme 2023. Collection method: clinical testing. Allele origin: germline.
Comment: The p.V96L variant (also known as c.286G>C), located in coding exon 3 of the TSC1 gene, results from a G to C substitution at nucleotide position 286. The valine at codon 96 is replaced by leucine, an amino acid with highly similar properties. This amino acid position is highly conserved in available vertebrate species. In addition, this alteration is predicted to be deleterious by in silico analysis. Since supporting evidence is limited at this time, the clinical significance of this alteration remains unclear.

NM_000368.5(TSC1):c.286G>C (p.Val96Leu)

Gene: TSC1 (TSC complex subunit 1; minus strand). Cytogenetic location: 9q34.13.
Variant type: single nucleotide variant.
Coding change: c.286G>C on transcript NM_000368.5 (MANE Select); coding-DNA position 286, G replaced by C.
Protein change: p.Val96Leu; replaces valine 96 with leucine.
Molecular consequence: missense variant. On other transcripts: 5 prime UTR variant (1), intron variant (1).
Genome position (GRCh38, 1-based): chr9:132,925,664, C>G on the plus strand (G>C on the coding strand, the complement: TSC1 is on the minus strand). VCF-style: chr9-132925664-C-G. GRCh37 (hg19) VCF-style: chr9-135801051-C-G.
Other names: c.286G>C, p.Val96Leu (NM_001162426.2); c.-78G>C (NM_001362177.2); c.210+1537G>C (NM_001162427.2); short protein forms V96L.
Identifiers: ClinVar variation 1051409 (VCV001051409.11), dbSNP rs987344953, ClinGen allele CA375374581.
Genomic context (GRCh38, chr9:132,925,664, plus strand): 5'-AAGAAGGCAAAAGAGGTGCTTGAGAGAGCTTATGCTTCCAAGATGGCTGCAGTCTTATGA[C>G]ATGACCCAGTAACGAGAGGATGGATAAACGAGTGGCGGCTTTGCCCACATATTCGTTAAT-3'
Protein context (NP_000359.1, residues 86-106): RLSILSLLGH[Val96Leu]IRLQPSWKHK